The following is an entry in ClinVar:

ClinVar aggregate classification (germline): Uncertain significance (1 of 4 stars; one submission).

Conditions:
Progressive microcephaly-seizures-cortical blindness-developmental delay syndrome. Also called: Seizures, cortical blindness, and microcephaly syndrome. Identifiers: Orphanet 477814, MedGen C5567650, MONDO:0014714, OMIM 616632.
Autosomal dominant nonsyndromic hearing loss 1. Also called: KONIGSMARK SYNDROME; DEAFNESS, AUTOSOMAL DOMINANT 1, WITH OR WITHOUT THROMBOCYTOPENIA. Identifiers: Orphanet 90635, MedGen C1852282, MONDO:0007424, OMIM 124900.

Submission:

Labcorp Genetics (formerly Invitae), Labcorp
Classification: Uncertain significance for Progressive microcephaly-seizures-cortical blindness-developmental delay syndrome; Autosomal dominant nonsyndromic hearing loss 1. Last evaluated: 2019-08-25. Review status: criteria provided, single submitter. Criteria: Invitae Variant Classification Sherloc (09022015). Collection method: clinical testing. Allele origin: germline.
Comment: In summary, the available evidence is currently insufficient to determine the role of this variant in disease. Therefore, it has been classified as a Variant of Uncertain Significance. Algorithms developed to predict the effect of missense changes on protein structure and function are either unavailable or do not agree on the potential impact of this missense change (SIFT: "Deleterious"; PolyPhen-2: "Not Available"; Align-GVGD: "Class C0"). This variant has not been reported in the literature in individuals with DIAPH1-related conditions. This variant is not present in population databases (ExAC no frequency). This sequence change replaces arginine with threonine at codon 51 of the DIAPH1 protein (p.Arg51Thr). The arginine residue is moderately conserved and there is a moderate physicochemical difference between arginine and threonine.

NM_005219.5(DIAPH1):c.152G>C (p.Arg51Thr)

Gene: DIAPH1 (diaphanous related formin 1; minus strand). Cytogenetic location: 5q31.3.
Variant type: single nucleotide variant.
Coding change: c.152G>C on transcript NM_005219.5 (MANE Select); coding-DNA position 152, G replaced by C.
Protein change: p.Arg51Thr; replaces arginine 51 with threonine.
Molecular consequence: missense variant.
Genome position (GRCh38, 1-based): chr5:141,587,190, C>G on the plus strand (G>C on the coding strand, the complement: DIAPH1 is on the minus strand). VCF-style: chr5-141587190-C-G. GRCh37 (hg19) VCF-style: chr5-140966757-C-G.
Other names: c.125G>C, p.Arg42Thr (NM_001079812.3); c.152G>C, p.Arg51Thr (NM_001314007.2); short protein forms R51T, R42T.
Identifiers: ClinVar variation 933776 (VCV000933776.10), dbSNP rs2099897675, ClinGen allele CA361546815.